The following is an entry in ClinVar:

ClinVar aggregate classification (germline): Uncertain significance (0 of 4 stars; one submission).

Conditions:
SEMA3F-related disorder. Also called: SEMA3F-related condition.

Submission:

PreventionGenetics, part of Exact Sciences
Classification: Uncertain significance for SEMA3F-related condition. Last evaluated: 2024-08-30. Review status: no assertion criteria provided. Collection method: clinical testing. Allele origin: germline.
Comment: The SEMA3F c.2238C>A variant is predicted to result in premature protein termination (p.Cys746*). This variant is located in the last exon of SEMA3F. To our knowledge, this variant has not been reported in the literature or in a large population database, indicating this variant is rare. At this time, the clinical significance of this variant is uncertain due to the absence of conclusive functional and genetic evidence.

NM_004186.5(SEMA3F):c.2238C>A (p.Cys746Ter)

Gene: SEMA3F (semaphorin 3F; plus strand). Cytogenetic location: 3p21.31.
Variant type: single nucleotide variant.
Coding change: c.2238C>A on transcript NM_004186.5 (MANE Select); coding-DNA position 2238, C replaced by A.
Protein change: p.Cys746Ter; replaces cysteine 746 with a stop codon.
Molecular consequence: nonsense.
Genome position (GRCh38, 1-based): chr3:50,187,995, C>A. VCF-style: chr3-50187995-C-A. GRCh37 (hg19) VCF-style: chr3-50225428-C-A.
Other names: c.1941C>A, p.Cys647Ter (NM_001318798.2); c.2145C>A, p.Cys715Ter (NM_001318800.2); short protein forms C647*, C715*, C746*.
Identifiers: ClinVar variation 3344936 (VCV003344936.1).
Genomic context (GRCh38, chr3:50,187,995, plus strand): 5'-TTACCAGGAGTTAGCCCAGCTGCTGGCCCAGCCAGAAGTGGGCCTCATCCACCAGTACTG[C>A]CAGGGTTACTGGCGCCATGTGCCCCCCAGCCCCAGGGAGGCTCCAGGGGCACCCCGGTCT-3'